The following is an entry in ClinVar:

NM_001184.4(ATR):c.4504-263T>A

Gene: ATR (ATR checkpoint kinase; minus strand). Cytogenetic location: 3q23.
Variant type: single nucleotide variant.
Coding change: c.4504-263T>A on transcript NM_001184.4 (MANE Select); 263 bases into the intron before coding-DNA position 4504, T replaced by A.
Molecular consequence: intron variant.
Genome position (GRCh38, 1-based): chr3:142,513,901, A>T on the plus strand (T>A on the coding strand, the complement: ATR is on the minus strand). VCF-style: chr3-142513901-A-T. GRCh37 (hg19) VCF-style: chr3-142232743-A-T.
Other names: c.4312-263T>A (NM_001354579.2).
Identifiers: ClinVar variation 668021 (VCV000668021.1), dbSNP rs6440085, ClinGen allele CA15267066.
Genomic context (GRCh38, chr3:142,513,901, plus strand): 5'-TCATAAAATTTTAAAGAGATTTTTTCTTCAAATACAAAGCCAAAAAACAAAAAAAAACCC[A>T]TAATATTCCAGAGCTGAAAATAGTTAACAGTATTCCACATTTCACACATTATATTTTCAG-3'

ClinVar aggregate classification (germline): Benign (1 of 4 stars; one submission).

Allele frequency attached by ClinVar (database versions not stated): 1000 Genomes Project 30x 0.30840; 1000 Genomes Project 0.31170; TOPMed 0.33679; gnomAD 0.33958 and 0.34112.
gnomAD v4.1: 51,880 of 151,942 alleles (34%); highest among the groups gnomAD compares: Middle Eastern, 44%; 9,384 homozygotes.

Submission:

GeneDx
Classification: Benign. Last evaluated: 2018-06-16. Review status: criteria provided, single submitter. Criteria: GeneDx Variant Classification (06012015). Collection method: clinical testing. Allele origin: germline. Affected: yes.
Comment: This variant is considered likely benign or benign based on one or more of the following criteria: it is a conservative change, it occurs at a poorly conserved position in the protein, it is predicted to be benign by multiple in silico algorithms, and/or has population frequency not consistent with disease.